The following is an entry in ClinVar:

ClinVar aggregate classification (germline): Likely benign. Review status: criteria provided, single submitter (1 of 4 stars). 2 submissions from 2 submitters: Likely benign (1). 1 of the submissions does not count toward it. Last evaluated 2022-11-01.

Conditions:
RYR2-related disorder. Also called: RYR2-related condition.

Submissions (2):

CeGaT Center for Human Genetics Tuebingen
Classification: Likely benign. Last evaluated: 2022-11-01. Review status: criteria provided, single submitter. Criteria: CeGaT Center For Human Genetics Tuebingen Variant Classification Criteria Version 2. Collection method: clinical testing. Allele origin: germline. Affected: yes. Observed: 1 variant allele.
Comment: RYR2: BP4

PreventionGenetics, part of Exact Sciences
Classification: Likely benign for RYR2-related condition. Last evaluated: 2019-10-01. Review status: no assertion criteria provided. Collection method: clinical testing. Allele origin: germline. Not counted in ClinVar's aggregate classification.
Comment: This variant is classified as likely benign based on ACMG/AMP sequence variant interpretation guidelines (Richards et al. 2015 PMID: 25741868, with internal and published modifications).

NM_001035.3(RYR2):c.773+3T>G

Gene: RYR2 (ryanodine receptor 2; plus strand). Cytogenetic location: 1q43.
Variant type: single nucleotide variant.
Coding change: c.773+3T>G on transcript NM_001035.3 (MANE Select); 3 bases into the intron after coding-DNA position 773, T replaced by G.
Molecular consequence: intron variant.
Genome position (GRCh38, 1-based): chr1:237,388,186, T>G. VCF-style: chr1-237388186-T-G. GRCh37 (hg19) VCF-style: chr1-237551486-T-G.
Other names: c.773+3T>G (NM_001035.2).
Identifiers: ClinVar variation 2640116 (VCV002640116.25), dbSNP rs1702097448, ClinGen allele CA2487315528.
Genomic context (GRCh38, chr1:237,388,186, plus strand): 5'-GACACATGGACGAGTGTCTCACTGTCCCTTCAGGAGAACATGGTGAAGAGCAGCGGAGGT[T>G]AGTACCTGAGCTCATTGCATTGAGACTTGCACTCTTTTGCCTTGATGTAATGTTTTAAAA-3'